The following is an entry in ClinVar:

NM_020745.4(AARS2):c.2329C>T (p.Arg777Cys)

Gene: AARS2 (alanyl-tRNA synthetase 2, mitochondrial; minus strand). Cytogenetic location: 6p21.1.
Variant type: single nucleotide variant.
Coding change: c.2329C>T on transcript NM_020745.4 (MANE Select); coding-DNA position 2329, C replaced by T.
Protein change: p.Arg777Cys; replaces arginine 777 with cysteine.
Molecular consequence: missense variant.
Genome position (GRCh38, 1-based): chr6:44,302,837, G>A on the plus strand (C>T on the coding strand, the complement: AARS2 is on the minus strand). VCF-style: chr6-44302837-G-A. GRCh37 (hg19) VCF-style: chr6-44270574-G-A.
Other names: short protein forms R777C.
Identifiers: ClinVar variation 2004428 (VCV002004428.8), dbSNP rs568086131, ClinGen allele CA3834021.

ClinVar aggregate classification (germline): Uncertain significance. Review status: criteria provided, multiple submitters, no conflicts (2 of 4 stars). 4 submissions from 4 submitters: Uncertain significance (4). Last evaluated 2025-06-07.

Conditions:
Mitochondrial disease. Also called: Mitochondrial disorders; Mitochondrial disorder. Identifiers: Orphanet 68380, MedGen C0751651, MeSH D028361, MONDO:0044970.
Inborn genetic diseases. Identifiers: MedGen C0950123, MeSH D030342.

Allele frequency attached by ClinVar (database versions not stated): gnomAD 0.00004; gnomAD exomes 0.00006; ExAC 0.00010; TOPMed 0.00012.

Submissions (4):

Labcorp Genetics (formerly Invitae), Labcorp
Classification: Uncertain significance. Last evaluated: 2025-06-07. Review status: criteria provided, single submitter. Criteria: Invitae Variant Classification Sherloc (09022015). Collection method: clinical testing. Allele origin: germline.
Comment: This sequence change replaces arginine, which is basic and polar, with cysteine, which is neutral and slightly polar, at codon 777 of the AARS2 protein (p.Arg777Cys). This variant is present in population databases (rs568086131, gnomAD 0.07%). This variant has not been reported in the literature in individuals affected with AARS2-related conditions. ClinVar contains an entry for this variant (Variation ID: 2004428). Invitae Evidence Modeling of protein sequence and biophysical properties (such as structural, functional, and spatial information, amino acid conservation, physicochemical variation, residue mobility, and thermodynamic stability) indicates that this missense variant is expected to disrupt AARS2 protein function with a positive predictive value of 80%. In summary, the available evidence is currently insufficient to determine the role of this variant in disease. Therefore, it has been classified as a Variant of Uncertain Significance.

GeneDx
Classification: Uncertain significance. Last evaluated: 2025-01-17. Review status: criteria provided, single submitter. Criteria: GeneDx Variant Classification Process June 2021. Collection method: clinical testing. Allele origin: germline.
Comment: In silico analysis supports that this missense variant has a deleterious effect on protein structure/function; Has not been previously published as pathogenic or benign to our knowledge

Ambry Genetics
Classification: Uncertain significance for Inborn genetic diseases. Last evaluated: 2023-11-29. Review status: criteria provided, single submitter. Criteria: Ambry Variant Classification Scheme 2023. Collection method: clinical testing. Allele origin: germline.

Department of Pathology and Laboratory Medicine, Sinai Health System
Classification: Uncertain significance for mitochondrial disease. Last evaluated: 2022-02-09. Review status: criteria provided, single submitter. Criteria: ACMG Guidelines, 2015. Collection method: research. Allele origin: germline.